The following is an entry in ClinVar:

ClinVar aggregate classification (germline): Uncertain significance (1 of 4 stars; one submission).

gnomAD v4.1: 1 of 1,532,926 alleles (0.000065%); highest among the groups gnomAD compares: South Asian, 0.0012%; no homozygotes.

Submission:

CeGaT Center for Human Genetics Tuebingen
Classification: Uncertain significance. Last evaluated: 2024-08-01. Review status: criteria provided, single submitter. Criteria: CeGaT Center For Human Genetics Tuebingen Variant Classification Criteria Version 2. Collection method: clinical testing. Allele origin: germline. Affected: yes. Observed: 1 variant allele.
Comment: TBX1: PM2

NM_001379200.1(TBX1):c.1386C>G (p.His462Gln)

Gene: TBX1 (T-box transcription factor 1; plus strand). Cytogenetic location: 22q11.21.
Variant type: single nucleotide variant.
Coding change: c.1386C>G on transcript NM_001379200.1 (MANE Select); coding-DNA position 1386, C replaced by G.
Protein change: p.His462Gln; replaces histidine 462 with glutamine.
Molecular consequence: missense variant. On other transcripts: intron variant (2).
Genome position (GRCh38, 1-based): chr22:19,766,738, C>G. VCF-style: chr22-19766738-C-G. GRCh37 (hg19) VCF-style: chr22-19754261-C-G.
Other names: c.1359C>G, p.His453Gln (NM_080647.1); c.1009+736C>G (NM_005992.1, NM_080646.2); short protein forms H453Q, H462Q.
Identifiers: ClinVar variation 3342101 (VCV003342101.16).